The following is an entry in ClinVar:

ClinVar aggregate classification (germline): Uncertain significance (1 of 4 stars; one submission).

gnomAD v4.1: 13 of 1,613,584 alleles (0.00081%); highest among the groups gnomAD compares: African/African-American, 0.0013%; no homozygotes.

Submission:

GeneDx
Classification: Uncertain significance. Last evaluated: 2022-07-20. Review status: criteria provided, single submitter. Criteria: GeneDx Variant Classification Process June 2021. Collection method: clinical testing. Allele origin: germline. Affected: yes.
Comment: Not observed at significant frequency in large population cohorts (gnomAD); In silico analysis supports that this missense variant has a deleterious effect on protein structure/function; Has not been previously published as pathogenic or benign to our knowledge; Variants in candidate genes are classified as variants of uncertain significance in accordance with ACMG guidelines (Richards et al., 2015)

NM_018897.3(DNAH7):c.9232C>G (p.Arg3078Gly)

Gene: DNAH7 (dynein axonemal heavy chain 7; minus strand). Cytogenetic location: 2q32.3.
Variant type: single nucleotide variant.
Coding change: c.9232C>G on transcript NM_018897.3 (MANE Select); coding-DNA position 9232, C replaced by G.
Protein change: p.Arg3078Gly; replaces arginine 3078 with glycine.
Molecular consequence: missense variant.
Genome position (GRCh38, 1-based): chr2:195,824,314, G>C on the plus strand (C>G on the coding strand, the complement: DNAH7 is on the minus strand). VCF-style: chr2-195824314-G-C. GRCh37 (hg19) VCF-style: chr2-196689038-G-C.
Other names: short protein forms R3078G.
Identifiers: ClinVar variation 3342577 (VCV003342577.1).